The following is an entry in ClinVar:

ClinVar aggregate classification (germline): Pathogenic (1 of 4 stars; one submission).

Conditions:
Muscular dystrophy-dystroglycanopathy (congenital with brain and eye anomalies), type a, 11 (MDDGA11). Also called: WALKER-WARBURG SYNDROME OR MUSCLE-EYE-BRAIN DISEASE, B3GALNT2-RELATED; Congenital muscular dystrophy-dystroglycanopathy with brain and eye anomalies, type A11; Muscular dystrophy-dystroglycanopathy (congenital with brain and eye anomalies, type A, 11. Identifiers: Orphanet 588, Orphanet 899, MedGen C3554638, MONDO:0014071, OMIM 615181.

Submission:

Labcorp Genetics (formerly Invitae), Labcorp
Classification: Pathogenic for Muscular dystrophy-dystroglycanopathy (congenital with brain and eye anomalies), type a, 11. Last evaluated: 2024-09-27. Review status: criteria provided, single submitter. Criteria: Invitae Variant Classification Sherloc (09022015). Collection method: clinical testing. Allele origin: germline.
Comment: This sequence change creates a premature translational stop signal (p.Tyr329Serfs*2) in the B3GALNT2 gene. It is expected to result in an absent or disrupted protein product. Loss-of-function variants in B3GALNT2 are known to be pathogenic (PMID: 23453667). This variant is present in population databases (rs772899037, gnomAD 0.006%). This variant has not been reported in the literature in individuals affected with B3GALNT2-related conditions. For these reasons, this variant has been classified as Pathogenic.

Literature cited by the submitters: PubMed 23453667.

NM_152490.5(B3GALNT2):c.984_985del (p.Tyr329fs)

Gene: B3GALNT2 (beta-1,3-N-acetylgalactosaminyltransferase 2; minus strand). Cytogenetic location: 1q42.3.
Variant type: Deletion.
Coding change: c.984_985del on transcript NM_152490.5 (MANE Select); coding-DNA positions 984 to 985, 2 bases deleted (TT; older notation c.984_985delTT).
Protein change: p.Tyr329fs; shifts the reading frame from tyrosine 329.
Molecular consequence: frameshift variant.
Genome position (GRCh38, 1-based): chr1:235,458,643-235,458,644, AA deleted on the plus strand (TT on the coding strand, the reverse complement: B3GALNT2 is on the minus strand). VCF-style (leftmost placement, unchanged base first): chr1-235458642-TAA-T. GRCh37 (hg19) VCF-style: chr1-235621950-TAA-T.
Other names: short protein forms Y329fs.
Identifiers: ClinVar variation 3680552 (VCV003680552.2).